The following is an entry in ClinVar:

NM_198271.5(LMOD3):c.444AGA[3] (p.Glu151del)

Gene: LMOD3 (leiomodin 3; minus strand). Cytogenetic location: 3p14.1.
Variant type: Microsatellite.
Coding change: c.444AGA[3] on transcript NM_198271.5 (MANE Select); three copies in a row of the 3-base unit AGA starting at c.444; the reference has four copies in a row; one copy, 3 bases deleted; also written c.453_455del.
Protein change: p.Glu151del; deletes glutamic acid 151.
Molecular consequence: inframe deletion.
Genome position (GRCh38, 1-based): chr3:69,119,900-69,119,902, TCT deleted on the plus strand (AGA on the coding strand, the reverse complement: LMOD3 is on the minus strand); deleting any 3 consecutive bases within chr3:69,119,900-69,119,913 gives the same sequence; the position shown is the placement nearest the transcript's 3' end. VCF-style (leftmost placement, unchanged base first): chr3-69119899-ATCT-A. GRCh37 (hg19) VCF-style: chr3-69169050-ATCT-A.
Other names: c.453_455delAGA (NM_198271.4, NM_198271.5); c.444AGA[3], p.Glu151del (NM_001304418.3); c.453_455del (NM_198271.5); short protein forms E151del.
Identifiers: ClinVar variation 475325 (VCV000475325.11), dbSNP rs753459417, ClinGen allele CA2488980.
Genomic context (GRCh38, chr3:69,119,899, plus strand): 5'-TTCTCTGTTCGTTTCTTCACTCTCTTCACCATCATCTTCTCCTTCGTCGTCATCATCATC[ATCT>A]TCTTCTTCTTCATCTTCTTCATCTGTTTCTTGGATATTGCTGCTGCCCTTTGATTCTCTT-3'

ClinVar aggregate classification (germline): Uncertain significance. Review status: criteria provided, multiple submitters, no conflicts (2 of 4 stars). 4 submissions from 4 submitters: Uncertain significance (4). Last evaluated 2025-04-23.

Conditions:
Nemaline myopathy 10 (NEM10). Identifiers: MedGen C4015360, MONDO:0014513, OMIM 616165.
Joubert syndrome 24 (JBTS24). Identifiers: Orphanet 475, MedGen C4084841, MONDO:0014724, OMIM 616654.

Submissions (4):

Women's Health and Genetics/Laboratory Corporation of America, LabCorp
Classification: Uncertain significance. Last evaluated: 2025-04-23. Review status: criteria provided, single submitter. Criteria: LabCorp Variant Classification Summary - May 2015. Collection method: clinical testing. Allele origin: germline.
Comment: Variant summary: LMOD3 c.453_455delAGA (p.Glu151del) results in an in-frame deletion that is predicted to remove one amino acids from the encoded protein. The variant allele was found at a frequency of 0.00038 in 164826 control chromosomes (gnomAD). This frequency is not significantly higher than estimated for a pathogenic variant in LMOD3 causing Nemaline Myopathy 10, allowing no conclusion about variant significance. To our knowledge, no occurrence of c.453_455delAGA in individuals affected with Nemaline Myopathy 10 and no experimental evidence demonstrating its impact on protein function have been reported. ClinVar contains an entry for this variant (Variation ID: 475325). Based on the evidence outlined above, the variant was classified as uncertain significance.

Labcorp Genetics (formerly Invitae), Labcorp
Classification: Uncertain significance for Nemaline myopathy 10. Last evaluated: 2025-01-06. Review status: criteria provided, single submitter. Criteria: Invitae Variant Classification Sherloc (09022015). Collection method: clinical testing. Allele origin: germline.
Comment: This variant, c.453_455del, results in the deletion of 1 amino acid(s) of the LMOD3 protein (p.Glu151del), but otherwise preserves the integrity of the reading frame. This variant is present in population databases (rs760413295, gnomAD 0.2%). This variant has not been reported in the literature in individuals affected with LMOD3-related conditions. ClinVar contains an entry for this variant (Variation ID: 475325). Experimental studies and prediction algorithms are not available or were not evaluated, and the functional significance of this variant is currently unknown. In summary, the available evidence is currently insufficient to determine the role of this variant in disease. Therefore, it has been classified as a Variant of Uncertain Significance.

Genomic Medicine Center of Excellence, King Faisal Specialist Hospital and Research Centre
Classification: Uncertain significance for Joubert syndrome 24. Last evaluated: 2024-12-17. Review status: criteria provided, single submitter. Criteria: ACMG Guidelines, 2015. Collection method: clinical testing. Allele origin: germline.

GeneDx
Classification: Uncertain significance. Last evaluated: 2023-03-29. Review status: criteria provided, single submitter. Criteria: GeneDx Variant Classification Process June 2021. Collection method: clinical testing. Allele origin: germline. Affected: yes.
Comment: In-frame deletion of 1 amino acid in a non-repeat region; In silico analysis supports a deleterious effect on protein structure/function; Has not been previously published as pathogenic or benign to our knowledge